The following is an entry in ClinVar:

NM_024675.4(PALB2):c.2646T>G (p.Cys882Trp)

Gene: PALB2 (partner and localizer of BRCA2; minus strand). Cytogenetic location: 16p12.2.
Variant type: single nucleotide variant.
Coding change: c.2646T>G on transcript NM_024675.4 (MANE Select); coding-DNA position 2646, T replaced by G.
Protein change: p.Cys882Trp; replaces cysteine 882 with tryptophan.
Molecular consequence: missense variant.
Genome position (GRCh38, 1-based): chr16:23,626,338, A>C on the plus strand (T>G on the coding strand, the complement: PALB2 is on the minus strand). VCF-style: chr16-23626338-A-C. GRCh37 (hg19) VCF-style: chr16-23637659-A-C.
Other names: short protein forms C882W.
Identifiers: ClinVar variation 1172072 (VCV001172072.4), dbSNP rs1966842673, ClinGen allele CA395122136.
Genomic context (GRCh38, chr16:23,626,338, plus strand): 5'-ATCCAGAGCTTTCCAAAGAGAAACTACATCTTCGCAAGCAGTTATGATACATGGCTCTTT[A>C]CAACCGGCTCTTTCCCAAAACATGGCACTCACATCTACGGAACAGGAACCTGAAGGATTC-3'
Protein context (NP_078951.2, residues 872-892): VSAMFWERAG[Cys882Trp]KEPCIITACE

ClinVar aggregate classification (germline): Uncertain significance. Review status: criteria provided, multiple submitters, no conflicts (2 of 4 stars). 2 submissions from 2 submitters: Uncertain significance (2). Last evaluated 2026-03-19.

Conditions:
Hereditary cancer-predisposing syndrome. Also called: Neoplastic Syndromes, Hereditary; Tumor predisposition; Hereditary Cancer Syndrome; Hereditary neoplastic syndrome. Identifiers: Orphanet 140162, MedGen C0027672, MeSH D009386, MONDO:0015356.

Submissions (2):

Ambry Genetics
Classification: Uncertain significance for Hereditary cancer-predisposing syndrome. Last evaluated: 2026-03-19. Review status: criteria provided, single submitter. Criteria: Ambry Variant Classification Scheme 2023. Collection method: clinical testing. Allele origin: germline.
Comment: The p.C882W variant (also known as c.2646T>G), located in coding exon 7 of the PALB2 gene, results from a T to G substitution at nucleotide position 2646. The cysteine at codon 882 is replaced by tryptophan, an amino acid with highly dissimilar properties. This amino acid position is conserved. In addition, this alteration is predicted to be tolerated by in silico analysis. Based on the available evidence, the clinical significance of this variant remains unclear.

Color Diagnostics, LLC DBA Color Health
Classification: Uncertain significance for Hereditary cancer-predisposing syndrome. Last evaluated: 2024-03-07. Review status: criteria provided, single submitter. Criteria: ACMG Guidelines, 2015. Collection method: clinical testing. Allele origin: germline.
Comment: This missense variant replaces cysteine with tryptophan at codon 882 of the PALB2 protein. Computational prediction suggests that this variant may not impact protein structure and function (internally defined REVEL score threshold <= 0.5, PMID: 27666373). To our knowledge, functional studies have not been reported for this variant. This variant has not been reported in individuals affected with hereditary cancer in the literature. This variant has not been identified in the general population by the Genome Aggregation Database (gnomAD). The available evidence is insufficient to determine the role of this variant in disease conclusively. Therefore, this variant is classified as a Variant of Uncertain Significance.